The following is an entry in ClinVar:

ClinVar aggregate classification (germline): Pathogenic. Review status: criteria provided, multiple submitters, no conflicts (2 of 4 stars). 3 submissions from 3 submitters: Pathogenic (3). Last evaluated 2024-04-17.

Conditions:
Ocular albinism, type I (OA1). Also called: X-linked recessive ocular albinism; Ocular albinism, type I, Nettleship-Falls type; NETTLESHIP-FALLS TYPE OCULAR ALBINISM; Ocular Albinism type 1. Identifiers: Orphanet 54, MedGen C0342684, MONDO:0021019, OMIM 300500.

Submissions (3):

Revvity Omics, Revvity
Classification: Pathogenic. Last evaluated: 2024-04-17. Review status: criteria provided, single submitter. Criteria: ACMG Guidelines, 2015. Collection method: clinical testing. Allele origin: germline.

Institute of Human Genetics, Cologne University
Classification: Pathogenic for Ocular albinism, type I. Last evaluated: 2024-02-05. Review status: criteria provided, single submitter. Criteria: ACMG Guidelines, 2015. Collection method: clinical testing. Allele origin: germline. Affected: yes.

Labcorp Genetics (formerly Invitae), Labcorp
Classification: Pathogenic. Last evaluated: 2023-12-09. Review status: criteria provided, single submitter. Criteria: Invitae Variant Classification Sherloc (09022015). Collection method: clinical testing. Allele origin: germline.
Comment: This sequence change creates a premature translational stop signal (p.Gln25*) in the GPR143 gene. It is expected to result in an absent or disrupted protein product. Loss-of-function variants in GPR143 are known to be pathogenic (PMID: 15965158, 18978956, 19390656, 21541274, 26160353, 28211458). This variant is not present in population databases (gnomAD no frequency). This variant has not been reported in the literature in individuals affected with GPR143-related conditions. ClinVar contains an entry for this variant (Variation ID: 1323033). For these reasons, this variant has been classified as Pathogenic.

Literature cited by the submitters: PubMed 15965158 (cited by Labcorp Genetics (formerly Invitae), Labcorp); PubMed 18978956 (cited by Labcorp Genetics (formerly Invitae), Labcorp); PubMed 19390656 (cited by Labcorp Genetics (formerly Invitae), Labcorp); PubMed 21541274 (cited by Labcorp Genetics (formerly Invitae), Labcorp); PubMed 26160353 (cited by Labcorp Genetics (formerly Invitae), Labcorp); PubMed 28211458 (cited by Labcorp Genetics (formerly Invitae), Labcorp).

NM_000273.3(GPR143):c.73C>T (p.Gln25Ter)

Gene: GPR143 (G protein-coupled receptor 143; minus strand). Cytogenetic location: Xp22.2.
Variant type: single nucleotide variant.
Coding change: c.73C>T on transcript NM_000273.3 (MANE Select); coding-DNA position 73, C replaced by T.
Protein change: p.Gln25Ter; replaces glutamine 25 with a stop codon.
Molecular consequence: nonsense.
Genome position (GRCh38, 1-based): chrX:9,765,745, G>A on the plus strand (C>T on the coding strand, the complement: GPR143 is on the minus strand). VCF-style: chrX-9765745-G-A. GRCh37 (hg19) VCF-style: chrX-9733785-G-A.
Other names: short protein forms Q25*.
Identifiers: ClinVar variation 1323033 (VCV001323033.8), dbSNP rs2146705998, ClinGen allele CA412000850.